The following is an entry in ClinVar:

NM_198252.3(GSN):c.1379C>T (p.Ala460Val)

Gene: GSN (gelsolin; plus strand). Cytogenetic location: 9q33.2.
Variant type: single nucleotide variant.
Coding change: c.1379C>T on transcript NM_198252.3 (MANE Select); coding-DNA position 1379, C replaced by T.
Protein change: p.Ala460Val; replaces alanine 460 with valine.
Molecular consequence: missense variant.
Genome position (GRCh38, 1-based): chr9:121,324,607, C>T. VCF-style: chr9-121324607-C-T. GRCh37 (hg19) VCF-style: chr9-124086885-C-T.
Other names: c.1532C>T, p.Ala511Val (NM_000177.5); c.1379C>T, p.Ala460Val (NM_001127662.2, NM_001127664.2, NM_001127665.2 and 10 more transcripts); c.1487C>T, p.Ala496Val (NM_001127663.2); c.1412C>T, p.Ala471Val (NM_001127666.2, NM_001127667.2, NM_001353063.2 and 13 more transcripts); c.1430C>T, p.Ala477Val (NM_001258029.2); c.1403C>T, p.Ala468Val (NM_001258030.2); c.1451C>T, p.Ala484Val (NM_001353076.2); c.725C>T, p.Ala242Val (NM_001353078.2); short protein forms A496V, A242V, A471V, A477V, A511V, A468V, A460V, A484V.
Identifiers: ClinVar variation 1914417 (VCV001914417.6), dbSNP rs1201243869, ClinGen allele CA374752240.
Genomic context (GRCh38, chr9:121,324,607, plus strand): 5'-CTTCCAGGCAGGGTGCCCAGTCTACCCAGGATGAGGTCGCTGCATCTGCCATCCTGACTG[C>T]TCAGCTGGATGAGGAGCTGGGAGGTACCCCTGTCCAGGTGAGCCCAGCCCACCGCCTCTC-3'
Protein context (NP_937895.1, residues 450-470): DEVAASAILT[Ala460Val]QLDEELGGTP

ClinVar aggregate classification (germline): Uncertain significance. Review status: criteria provided, multiple submitters, no conflicts (2 of 4 stars). 2 submissions from 2 submitters: Uncertain significance (2). Last evaluated 2024-01-30.

Conditions:
Finnish type amyloidosis. Also called: AMYLOID CRANIAL NEUROPATHY WITH LATTICE CORNEAL DYSTROPHY; AMYLOIDOSIS DUE TO MUTANT GELSOLIN; Amyloidosis, familial, Finnish type; Meretoja type amyloidosis; Amyloidosis 5; Lattice corneal dystrophy associated with familial systemic amyloidosis. Identifiers: Orphanet 85448, MedGen C1622345, MONDO:0007097, OMIM 105120.

Allele frequency attached by ClinVar (database versions not stated): gnomAD exomes below 0.00001; TOPMed 0.00001.
gnomAD v4.1: 5 of 1,545,700 alleles (0.00032%); highest among the groups gnomAD compares: Non-Finnish European, 0.00044%; no homozygotes.

Submissions (2):

Fulgent Genetics
Classification: Uncertain significance for Finnish type amyloidosis. Last evaluated: 2024-01-30. Review status: criteria provided, single submitter. Criteria: ACMG Guidelines, 2015. Collection method: clinical testing. Allele origin: germline.

Labcorp Genetics (formerly Invitae), Labcorp
Classification: Uncertain significance. Last evaluated: 2023-10-06. Review status: criteria provided, single submitter. Criteria: Invitae Variant Classification Sherloc (09022015). Collection method: clinical testing. Allele origin: germline.
Comment: This sequence change replaces alanine, which is neutral and non-polar, with valine, which is neutral and non-polar, at codon 511 of the GSN protein (p.Ala511Val). The frequency data for this variant in the population databases is considered unreliable, as metrics indicate poor data quality at this position in the gnomAD database. This variant has not been reported in the literature in individuals affected with GSN-related conditions. ClinVar contains an entry for this variant (Variation ID: 1914417). Advanced modeling of protein sequence and biophysical properties (such as structural, functional, and spatial information, amino acid conservation, physicochemical variation, residue mobility, and thermodynamic stability) performed at Invitae indicates that this missense variant is not expected to disrupt GSN protein function. In summary, the available evidence is currently insufficient to determine the role of this variant in disease. Therefore, it has been classified as a Variant of Uncertain Significance.